The following is an entry in ClinVar:

ClinVar aggregate classification (germline): Uncertain significance. Review status: criteria provided, multiple submitters, no conflicts (2 of 4 stars). 3 submissions from 3 submitters: Uncertain significance (3). Last evaluated 2025-12-08.

Conditions:
Renal cell carcinoma. Identifiers: Orphanet 217071, MedGen C0007134, MeSH D002292, MONDO:0005086, HP:0005584.
Autosomal recessive nonsyndromic hearing loss 97. Also called: Deafness, autosomal recessive 97. Identifiers: Orphanet 90636, MedGen C4084709, MONDO:0014739, OMIM 616705.
Osteofibrous dysplasia (OSFD). Also called: Tibia, bowing of, with pseudarthrosis and pectus excavatum. Identifiers: Orphanet 488265, MedGen C4085248, MONDO:0011806, OMIM 607278.
Papillary renal cell carcinoma type 1 (RCCP1). Also called: RENAL CELL CARCINOMA, PAPILLARY, 1, SOMATIC; Renal adenocarcinoma; Renal cell carcinoma 1; Renal cell carcinoma, somatic. Identifiers: Orphanet 47044, MedGen C1336839, OMIM 605074, HP:0011797.
Hepatocellular carcinoma (HCC). Also called: Primary carcinoma of liver; HEPATOMA; LIVER CELL CARCINOMA. Identifiers: Orphanet 88673, MedGen C2239176, MONDO:0007256, OMIM 114550, HP:0001402.
Hereditary cancer-predisposing syndrome. Also called: Tumor predisposition; Hereditary Cancer Syndrome; Hereditary neoplastic syndrome; Neoplastic Syndromes, Hereditary. Identifiers: Orphanet 140162, MedGen C0027672, MeSH D009386, MONDO:0015356.

Allele frequency attached by ClinVar (database versions not stated): gnomAD exomes below 0.00001.
gnomAD v4.1: 1 of 1,613,700 alleles (0.000062%); highest among the groups gnomAD compares: Non-Finnish European, 0.000085%; no homozygotes.

Submissions (3):

Labcorp Genetics (formerly Invitae), Labcorp
Classification: Uncertain significance for Renal cell carcinoma. Last evaluated: 2025-12-08. Review status: criteria provided, single submitter. Criteria: Invitae Variant Classification Sherloc (09022015). Collection method: clinical testing. Allele origin: germline.
Comment: This sequence change replaces glycine, which is neutral and non-polar, with serine, which is neutral and polar, at codon 983 of the MET protein (p.Gly983Ser). This variant is not present in population databases (gnomAD no frequency). This variant has not been reported in the literature in individuals affected with MET-related conditions. ClinVar contains an entry for this variant (Variation ID: 1480925). An algorithm developed to predict the effect of missense changes on protein structure and function (PolyPhen-2) suggests that this variant is likely to be disruptive. In summary, the available evidence is currently insufficient to determine the role of this variant in disease. Therefore, it has been classified as a Variant of Uncertain Significance.

Ambry Genetics
Classification: Uncertain significance for Hereditary cancer-predisposing syndrome. Last evaluated: 2023-03-22. Review status: criteria provided, single submitter. Criteria: Ambry Variant Classification Scheme 2023. Collection method: clinical testing. Allele origin: germline.
Comment: The p.G983S variant (also known as c.2947G>A), located in coding exon 13 of the MET gene, results from a G to A substitution at nucleotide position 2947. The glycine at codon 983 is replaced by serine, an amino acid with similar properties. This amino acid position is conserved. In addition, this alteration is predicted to be tolerated by in silico analysis. Since supporting evidence is limited at this time, the clinical significance of this alteration remains unclear.

Fulgent Genetics
Classification: Uncertain significance for Hepatocellular carcinoma; Papillary renal cell carcinoma type 1; Osteofibrous dysplasia; Autosomal recessive nonsyndromic hearing loss 97. Last evaluated: 2021-07-20. Review status: criteria provided, single submitter. Criteria: ACMG Guidelines, 2015. Collection method: clinical testing. Allele origin: unknown.

NM_000245.4(MET):c.2893G>A (p.Gly965Ser)

Gene: MET (MET proto-oncogene, receptor tyrosine kinase; plus strand). Cytogenetic location: 7q31.2.
Variant type: single nucleotide variant.
Coding change: c.2893G>A on transcript NM_000245.4 (MANE Select); coding-DNA position 2893, G replaced by A.
Protein change: p.Gly965Ser; replaces glycine 965 with serine.
Molecular consequence: missense variant.
Genome position (GRCh38, 1-based): chr7:116,771,854, G>A. VCF-style: chr7-116771854-G-A. GRCh37 (hg19) VCF-style: chr7-116411908-G-A.
Other names: c.2947G>A (NM_001127500.1); c.2947G>A, p.Gly983Ser (NM_001127500.3); c.1603G>A, p.Gly535Ser (NM_001324402.2); short protein forms G535S, G965S, G983S.
Identifiers: ClinVar variation 1480925 (VCV001480925.11), dbSNP rs1413209214, ClinGen allele CA368986925.